The following is an entry in ClinVar:

NM_000059.4(BRCA2):c.9724A>C (p.Thr3242Pro)

Gene: BRCA2 (BRCA2 DNA repair associated; plus strand). Cytogenetic location: 13q13.1.
Variant type: single nucleotide variant.
Coding change: c.9724A>C on transcript NM_000059.4 (MANE Select); coding-DNA position 9724, A replaced by C.
Protein change: p.Thr3242Pro; replaces threonine 3242 with proline.
Molecular consequence: missense variant.
Genome position (GRCh38, 1-based): chr13:32,398,237, A>C. VCF-style: chr13-32398237-A-C. GRCh37 (hg19) VCF-style: chr13-32972374-A-C.
Other names: short protein forms T3242P.
Identifiers: ClinVar variation 1364539 (VCV001364539.8), dbSNP rs1266232125, ClinGen allele CA387765489.
Genomic context (GRCh38, chr13:32,398,237, plus strand): 5'-TGTGAGATATATTATCAAAGTCCTTTATCACTTTGTATGGCCAAAAGGAAGTCTGTTTCC[A>C]CACCTGTCTCAGCCCAGATGACTTCAAAGTCTTGTAAAGGGGAGAAAGAGATTGATGACC-3'
Protein context (NP_000050.3, residues 3232-3252): LCMAKRKSVS[Thr3242Pro]PVSAQMTSKS

ClinVar aggregate classification (germline): Uncertain significance (1 of 4 stars; one submission).

Conditions:
Hereditary breast ovarian cancer syndrome. Also called: Hereditary breast and ovarian cancer; Hereditary breast and/or ovarian cancer syndrome; BRCA1- and BRCA2-Associated Hereditary Breast and Ovarian Cancer; Hereditary breast and ovarian cancer syndrome; Hereditary breast and ovarian cancer syndrome (HBOC); Breast and ovarian cancer. Identifiers: Orphanet 145, MedGen C0677776, MeSH D061325, MONDO:0003582. Disease mechanism: loss of function.

Allele frequency attached by ClinVar (database versions not stated): TOPMed below 0.00001.

Submission:

Labcorp Genetics (formerly Invitae), Labcorp
Classification: Uncertain significance for Hereditary breast ovarian cancer syndrome. Last evaluated: 2022-10-06. Review status: criteria provided, single submitter. Criteria: Invitae Variant Classification Sherloc (09022015). Collection method: clinical testing. Allele origin: germline.
Comment: This variant has not been reported in the literature in individuals affected with BRCA2-related conditions. This variant is not present in population databases (gnomAD no frequency). This sequence change replaces threonine, which is neutral and polar, with proline, which is neutral and non-polar, at codon 3242 of the BRCA2 protein (p.Thr3242Pro). In summary, the available evidence is currently insufficient to determine the role of this variant in disease. Therefore, it has been classified as a Variant of Uncertain Significance. ClinVar contains an entry for this variant (Variation ID: 1364539). Advanced modeling of protein sequence and biophysical properties (such as structural, functional, and spatial information, amino acid conservation, physicochemical variation, residue mobility, and thermodynamic stability) performed at Invitae indicates that this missense variant is not expected to disrupt BRCA2 protein function.